The following is an entry in ClinVar:

ClinVar aggregate classification (germline): Uncertain significance. Review status: criteria provided, multiple submitters, no conflicts (2 of 4 stars). 2 submissions from 2 submitters: Uncertain significance (2). Last evaluated 2021-05-06.

Conditions:
Inborn genetic diseases. Identifiers: MedGen C0950123, MeSH D030342.

Allele frequency attached by ClinVar (database versions not stated): gnomAD exomes below 0.00001 and 0.00001; gnomAD 0.00001; TOPMed 0.00002.

Submissions (2):

Ambry Genetics
Classification: Uncertain significance for Inborn genetic diseases. Last evaluated: 2021-05-06. Review status: criteria provided, single submitter. Criteria: Ambry Variant Classification Scheme 2023. Collection method: clinical testing. Allele origin: germline.
Comment: The p.A574V variant (also known as c.1721C>T), located in coding exon 12 of the FGD4 gene, results from a C to T substitution at nucleotide position 1721. The alanine at codon 574 is replaced by valine, an amino acid with similar properties. This amino acid position is highly conserved in available vertebrate species. In addition, the in silico prediction for this alteration is inconclusive. Since supporting evidence is limited at this time, the clinical significance of this alteration remains unclear.

CeGaT Center for Human Genetics Tuebingen
Classification: Uncertain significance. Last evaluated: 2018-07-01. Review status: criteria provided, single submitter. Criteria: CeGaT Center For Human Genetics Tuebingen Variant Classification Criteria Version 2. Collection method: clinical testing. Allele origin: germline. Affected: yes. Observed: 1 variant allele.

NM_001370298.3(FGD4):c.2132C>T (p.Ala711Val)

Gene: FGD4 (FYVE, RhoGEF and PH domain containing 4; plus strand). Cytogenetic location: 12p11.21.
Variant type: single nucleotide variant.
Coding change: c.2132C>T on transcript NM_001370298.3 (MANE Select); coding-DNA position 2132, C replaced by T.
Protein change: p.Ala711Val; replaces alanine 711 with valine.
Molecular consequence: missense variant.
Genome position (GRCh38, 1-based): chr12:32,625,739, C>T. VCF-style: chr12-32625739-C-T. GRCh37 (hg19) VCF-style: chr12-32778673-C-T.
Other names: c.1976C>T, p.Ala659Val (NM_001304481.2); c.977C>T, p.Ala326Val (NM_001304483.2); c.689C>T, p.Ala230Val (NM_001304484.2); c.1442C>T, p.Ala481Val (NM_001330373.2, NM_001330374.2, NM_001384130.1); c.1169C>T, p.Ala390Val (NM_001370297.1); c.2132C>T, p.Ala711Val (NM_001384126.1); c.1721C>T, p.Ala574Val (NM_001384127.1, NM_001384128.1, NM_001385118.1 and 1 more transcripts); short protein forms A574V, A659V, A230V, A390V, A326V, A481V, A711V.
Identifiers: ClinVar variation 623800 (VCV000623800.45), dbSNP rs1341534652, ClinGen allele CA384367854.
Genomic context (GRCh38, chr12:32,625,739, plus strand): 5'-CAAGATGGATCCGAGATAATGAAGTGACAATGTGTATGAAATGTAAAGAACCTTTCAATG[C>T]ACTGACACGAAGGAGGCATCATTGTCGAGCATGTGGATATGTAAGTGAGATTTCTTGATC-3'
Protein context (NP_001357227.2, residues 701-721): MCMKCKEPFN[Ala711Val]LTRRRHHCRA